The following is an entry in ClinVar:

NM_003331.5(TYK2):c.2617+13C>T

Gene: TYK2 (tyrosine kinase 2; minus strand). Cytogenetic location: 19p13.2.
Variant type: single nucleotide variant.
Coding change: c.2617+13C>T on transcript NM_003331.5 (MANE Select); 13 bases into the intron after coding-DNA position 2617, C replaced by T.
Molecular consequence: intron variant.
Genome position (GRCh38, 1-based): chr19:10,356,555, G>A on the plus strand (C>T on the coding strand, the complement: TYK2 is on the minus strand). VCF-style: chr19-10356555-G-A. GRCh37 (hg19) VCF-style: chr19-10467231-G-A.
Other names: c.2617+13C>T (LRG_121t1).
Identifiers: ClinVar variation 508243 (VCV000508243.5), dbSNP rs770667639, ClinGen allele CA9193000.
Genomic context (GRCh38, chr19:10,356,555, plus strand): 5'-CGCTATAGGCATACAGCAGGGATCCCAGCCCCGTCCCACTTCCCCAGGGTCCCAGCACTG[G>A]GATGGAGCTCACTGTGGGGCTGCAGCCGGGTGAGGTCACGCAGGATGGTGCGGAATGATG-3'

ClinVar aggregate classification (germline): Likely benign. Review status: criteria provided, multiple submitters, no conflicts (2 of 4 stars). 2 submissions from 2 submitters: Likely benign (2). Last evaluated 2026-01-21.

Conditions:
Immunodeficiency 35 (IMD35). Also called: HIES WITH ATYPICAL MYCOBACTERIOSIS, AUTOSOMAL RECESSIVE; HYPER-IgE SYNDROME WITH ATYPICAL MYCOBACTERIOSIS, AUTOSOMAL RECESSIVE; TYK2 DEFICIENCY; Susceptibility to infection due to TYK2 deficiency. Identifiers: Orphanet 331226, MedGen C1969086, MONDO:0012682, OMIM 611521.

Allele frequency attached by ClinVar (database versions not stated): gnomAD 0.00001; gnomAD exomes 0.00001 and 0.00003; ExAC 0.00002; TOPMed 0.00002.
gnomAD v4.1: 9 of 1,612,404 alleles (0.00056%); highest among the groups gnomAD compares: Admixed American, 0.01%; no homozygotes.

Submissions (2):

Labcorp Genetics (formerly Invitae), Labcorp
Classification: Likely benign for Immunodeficiency 35. Last evaluated: 2026-01-21. Review status: criteria provided, single submitter. Criteria: Invitae Variant Classification Sherloc (09022015). Collection method: clinical testing. Allele origin: germline.

GeneDx
Classification: Likely benign. Last evaluated: 2017-03-22. Review status: criteria provided, single submitter. Criteria: GeneDx Variant Classification (06012015). Collection method: clinical testing. Allele origin: germline. Affected: yes.
Comment: This variant is considered likely benign or benign based on one or more of the following criteria: it is a conservative change, it occurs at a poorly conserved position in the protein, it is predicted to be benign by multiple in silico algorithms, and/or has population frequency not consistent with disease.